The following is an entry in ClinVar:

ClinVar aggregate classification (germline): Uncertain significance. Review status: criteria provided, multiple submitters, no conflicts (2 of 4 stars). 3 submissions from 3 submitters: Uncertain significance (3). Last evaluated 2024-04-25.

Conditions:
GRN-related frontotemporal lobar degeneration with Tdp43 inclusions (FTD2). Also called: FRONTOTEMPORAL DEMENTIA WITH TDP43 INCLUSIONS, GRN-RELATED; GRN Frontotemporal Dementia; DEMENTIA, HEREDITARY DYSPHASIC DISINHIBITION; FRONTOTEMPORAL LOBAR DEGENERATION WITH UBIQUITIN-POSITIVE INCLUSIONS; FTLD-TDP, GRN-RELATED. Identifiers: Orphanet 100070, Orphanet 282, MedGen C1843792, MONDO:0011842, OMIM 607485. Disease mechanism: loss of function.
Neuronal ceroid lipofuscinosis 11. Also called: GRN-Related Neuronal Ceroid-Lipofuscinosis. Identifiers: Orphanet 314629, Orphanet 79262, MedGen C3539123, MONDO:0013866, OMIM 614706.

Submissions (3):

Labcorp Genetics (formerly Invitae), Labcorp
Classification: Uncertain significance for Neuronal ceroid lipofuscinosis 11; GRN-related frontotemporal lobar degeneration with Tdp43 inclusions. Last evaluated: 2024-04-25. Review status: criteria provided, single submitter. Criteria: Invitae Variant Classification Sherloc (09022015). Collection method: clinical testing. Allele origin: germline.
Comment: This variant, c.1036_1038del, results in the deletion of 1 amino acid(s) of the GRN protein (p.Glu346del), but otherwise preserves the integrity of the reading frame. This variant is present in population databases (rs751373342, gnomAD 0.002%). This variant has not been reported in the literature in individuals affected with GRN-related conditions. ClinVar contains an entry for this variant (Variation ID: 444404). In summary, the available evidence is currently insufficient to determine the role of this variant in disease. Therefore, it has been classified as a Variant of Uncertain Significance.

Fulgent Genetics
Classification: Uncertain significance for GRN-related frontotemporal lobar degeneration with Tdp43 inclusions; Neuronal ceroid lipofuscinosis 11. Last evaluated: 2021-11-17. Review status: criteria provided, single submitter. Criteria: ACMG Guidelines, 2015. Collection method: clinical testing. Allele origin: unknown.

CeGaT Center for Human Genetics Tuebingen
Classification: Uncertain significance. Last evaluated: 2017-03-01. Review status: criteria provided, single submitter. Criteria: CeGaT Center For Human Genetics Tuebingen Variant Classification Criteria Version 2. Collection method: clinical testing. Allele origin: germline. Affected: yes. Observed: 1 variant allele.

NM_002087.4(GRN):c.1036_1038del (p.Glu346del)

Gene: GRN (granulin precursor; plus strand). Cytogenetic location: 17q21.31.
Variant type: Deletion.
Coding change: c.1036_1038del on transcript NM_002087.4 (MANE Select); coding-DNA positions 1036 to 1038, 3 bases deleted (GAG; older notation c.1036_1038delGAG).
Protein change: p.Glu346del; deletes glutamic acid 346.
Molecular consequence: inframe deletion.
Genome position (GRCh38, 1-based): chr17:44,351,652-44,351,654, GAG deleted; deleting any 3 consecutive bases within chr17:44,351,651-44,351,654 gives the same sequence; the c. name uses the placement nearest the transcript's 3' end. VCF-style (leftmost placement, unchanged base first): chr17-44351650-TGGA-T. GRCh37 (hg19) VCF-style: chr17-42429018-TGGA-T.
Other names: short protein forms E346del.
Identifiers: ClinVar variation 444404 (VCV000444404.48), dbSNP rs751373342, ClinGen allele CA8602090.
Genomic context (GRCh38, chr17:44,351,650, plus strand): 5'-GGTTTACGTGTGACACGCAGAAGGGTACCTGTGAACAGGGGCCCCACCAGGTGCCCTGGA[TGGA>T]GAAGGCCCCAGCTCACCTCAGCCTGCCAGACCCACAAGCCTTGAAGAGAGATGTCCCCTG-3'